The following is an entry in ClinVar:

NM_001375912.1(ZNF532):c.1835C>T (p.Pro612Leu)

Gene: ZNF532 (zinc finger protein 532; plus strand). Cytogenetic location: 18q21.32.
Variant type: single nucleotide variant.
Coding change: c.1835C>T on transcript NM_001375912.1 (MANE Select); coding-DNA position 1835, C replaced by T.
Protein change: p.Pro612Leu; replaces proline 612 with leucine.
Molecular consequence: missense variant. On other transcripts: non-coding transcript variant (2).
Genome position (GRCh38, 1-based): chr18:58,920,122, C>T. VCF-style: chr18-58920122-C-T. GRCh37 (hg19) VCF-style: chr18-56587354-C-T.
Other names: c.1835C>T, p.Pro612Leu (NM_001375913.1, NM_018181.6, NM_001318726.2 and 16 more transcripts); short protein forms P612L.
Identifiers: ClinVar variation 4610418 (VCV004610418.1).

ClinVar aggregate classification (germline): Uncertain significance (1 of 4 stars; one submission).

gnomAD v4.1: 2 of 1,613,834 alleles (0.00012%); highest among the groups gnomAD compares: East Asian, 0.0022%; no homozygotes.

Submission:

Ambry Genetics
Classification: Uncertain significance. Last evaluated: 2025-11-26. Review status: criteria provided, single submitter. Criteria: Ambry Variant Classification Scheme 2023. Collection method: clinical testing. Allele origin: germline.
Comment: The c.1835C>T (p.P612L) alteration is located in exon 4 (coding exon 1) of the ZNF532 gene. This alteration results from a C to T substitution at nucleotide position 1835, causing the proline (P) at amino acid position 612 to be replaced by a leucine (L). Based on data from gnomAD, the T allele has an overall frequency of <0.001% (1/251126) total alleles studied. The highest observed frequency was <0.001% (/) of alleles. Based on insufficient or conflicting evidence, the clinical significance of this alteration remains unclear.